The following is an entry in ClinVar:

ClinVar aggregate classification (germline): Uncertain significance (1 of 4 stars; one submission).

Conditions:
Hereditary cancer-predisposing syndrome. Also called: Neoplastic Syndromes, Hereditary; Tumor predisposition; Hereditary neoplastic syndrome; Hereditary Cancer Syndrome. Identifiers: Orphanet 140162, MedGen C0027672, MeSH D009386, MONDO:0015356.

Allele frequency attached by ClinVar (database versions not stated): gnomAD exomes below 0.00001.
gnomAD v4.1: 5 of 1,610,108 alleles (0.00031%); highest among the groups gnomAD compares: Admixed American, 0.0017%; no homozygotes.

Submissions (2):

Ambry Genetics
Classification: Uncertain significance for Hereditary cancer-predisposing syndrome. Last evaluated: 2025-10-02. Review status: criteria provided, single submitter. Criteria: Ambry Variant Classification Scheme 2023. Collection method: clinical testing. Allele origin: germline.
Comment: The c.2838-47G>A intronic variant results from a G to A substitution 47 nucleotides upstream from coding exon 25 in the TSC2 gene. This nucleotide position is well conserved in available vertebrate species. In silico splice site analysis predicts that this alteration will result in the creation or strengthening of a novel splice acceptor site. RNA studies have demonstrated that this alteration results in a transcript predicted to lead to a protein with an in-frame insertion of 15 amino acids; however, the exact functional impact of the inserted amino acids is unknown at this time (Ambry internal data). Since supporting evidence is limited at this time, the clinical significance of this alteration remains unclear.

Dr. Peter K. Rogan Lab, Western University
No classification provided (evidence only). Condition: Familial cancer of breast. Review status: no classification provided. Collection method: in vitro. Allele origin: not applicable. Functional consequence: retained intron. Not counted in ClinVar's aggregate classification.

NM_000548.5(TSC2):c.2838-47G>A

Gene: TSC2 (TSC complex subunit 2; plus strand). Cytogenetic location: 16p13.3.
Variant type: single nucleotide variant.
Coding change: c.2838-47G>A on transcript NM_000548.5 (MANE Select); 47 bases into the intron before coding-DNA position 2838, G replaced by A.
Molecular consequence: intron variant.
Genome position (GRCh38, 1-based): chr16:2,077,551, G>A. VCF-style: chr16-2077551-G-A. GRCh37 (hg19) VCF-style: chr16-2127552-G-A.
Other names: NC_000016.9:g.2127552G>A; c.1493+966G>A (NM_001406693.1, NM_001406690.1, NM_001406692.1 and 5 more transcripts); c.2927+966G>A (NM_001406667.1, NM_001406668.1); c.2238-47G>A (NM_001406680.1, NM_001406683.1, NM_001406682.1 and 1 more transcripts); c.2237+966G>A (NM_001406687.1, NM_001406685.1, NM_001318831.2 and 2 more transcripts); c.1494-47G>A (NM_001406689.1); c.1235+966G>A (NM_001406698.1); c.2838-47G>A (NM_001114382.3, NM_001406663.1, NM_001406664.1); and 9 more.
Identifiers: ClinVar variation 2449999 (VCV002449999.4), dbSNP rs2543969428, ClinGen allele CA2580090884.
Genomic context (GRCh38, chr16:2,077,551, plus strand): 5'-TGACCCTGTGGCCTGGGACCTTTCCTCCTCACCCCTCCACTGGCTTGTTCTCCCCTTCCC[G>A]GGAGCTGGGCTCTCTGGGGCGTTGGGGCTCCTTCCTCACCCGATAGTCTGAGGATAGCCA-3'